The following is an entry in ClinVar:

NM_004614.5(TK2):c.31G>A (p.Ala11Thr)

Genes: TK2 (thymidine kinase 2; minus strand), LOC130059156 (ATAC-STARR-seq lymphoblastoid silent region 7560; plus strand). Cytogenetic location: 16q21.
Variant type: single nucleotide variant.
Coding change: c.31G>A on transcript NM_004614.5 (MANE Select); coding-DNA position 31, G replaced by A.
Protein change: p.Ala11Thr; replaces alanine 11 with threonine.
Molecular consequence: missense variant. On other transcripts: 5 prime UTR variant (2), non-coding transcript variant (1), intron variant (2).
Genome position (GRCh38, 1-based): chr16:66,550,031, C>T on the plus strand (G>A on the coding strand, the complement: TK2 is on the minus strand). VCF-style: chr16-66550031-C-T. GRCh37 (hg19) VCF-style: chr16-66583934-C-T.
Other names: c.31G>A, p.Ala11Thr (NM_001172644.2, NM_001172645.2); c.-212G>A (NM_001271934.2); c.-622G>A (NM_001272050.2); c.31+222G>A (NM_001271935.1, NM_001172643.1); short protein forms A11T.
Identifiers: ClinVar variation 2429649 (VCV002429649.2), dbSNP rs1395399302, ClinGen allele CA396194350.

ClinVar aggregate classification (germline): Uncertain significance (1 of 4 stars; one submission).

gnomAD v4.1: 17 of 1,552,694 alleles (0.0011%); highest among the groups gnomAD compares: Non-Finnish European, 0.0014%; no homozygotes.

Submission:

GeneDx
Classification: Uncertain significance. Last evaluated: 2026-10-02. Review status: criteria provided, single submitter. Criteria: GeneDx Variant Classification Process June 2021. Collection method: clinical testing. Allele origin: germline.
Comment: Not observed at significant frequency in large population cohorts (gnomAD); In silico analysis supports that this missense variant has a deleterious effect on protein structure/function; Has not been previously published as pathogenic or benign to our knowledge